The following is an entry in ClinVar:

ClinVar aggregate classification (germline): Uncertain significance. Review status: criteria provided, single submitter (1 of 4 stars). 2 submissions from 1 submitter: Uncertain significance (2). Last evaluated 2022-04-14.

Conditions:
Episodic ataxia type 2 (EA2). Also called: ATAXIA, EPISODIC, WITH NYSTAGMUS; ATAXIA, FAMILIAL PAROXYSMAL; CEREBELLAR ATAXIA, PAROXYSMAL, ACETAZOLAMIDE-RESPONSIVE; CEREBELLOPATHY, HEREDITARY PAROXYSMAL; EPISODIC ATAXIA, NYSTAGMUS-ASSOCIATED; ACETAZOLAMIDE-RESPONSIVE HEREDITARY PAROXYSMAL CEREBELLAR ATAXIA. Identifiers: Orphanet 97, MedGen C1720416, MONDO:0007163, OMIM 108500.
Developmental and epileptic encephalopathy, 42 (DEE42A). Also called: DEVELOPMENTAL AND EPILEPTIC ENCEPHALOPATHY 42A; EPILEPTIC ENCEPHALOPATHY, EARLY INFANTILE, 42A; Epileptic encephalopathy, early infantile, 42. Identifiers: MedGen C4310716, MONDO:0014917, OMIM 617106.
Marshall-Smith syndrome (MRSHSS). Identifiers: Orphanet 561, MedGen C0265211, MONDO:0011244, OMIM 602535.
Malan overgrowth syndrome (MALNS). Also called: Sotos syndrome 2; MALAN SYNDROME; NFIX-Related Malan Syndrome. Identifiers: Orphanet 420179, MedGen C3553660, MONDO:0013885, OMIM 614753.

Submissions (2):

Labcorp Genetics (formerly Invitae), Labcorp
Classification: Uncertain significance for Developmental and epileptic encephalopathy, 42; Episodic ataxia type 2. Last evaluated: 2022-04-14. Review status: criteria provided, single submitter. Criteria: Invitae Variant Classification Sherloc (09022015). Collection method: clinical testing. Allele origin: germline.
Comment: This variant results in a copy number gain of the genomic region encompassing exon(s) 13-47 of the CACNA1A gene. This region includes the termination codon of the gene. This copy number gain extends beyond the assayed region for this gene and therefore may encompass additional genes. As the precise location of this event is unknown, it may be in tandem or it may be located elsewhere in the genome. This variant has not been reported in the literature in individuals affected with CACNA1A-related conditions. In summary, the available evidence is currently insufficient to determine the role of this variant in disease. Therefore, it has been classified as a Variant of Uncertain Significance.

Labcorp Genetics (formerly Invitae), Labcorp
Classification: Uncertain significance for Malan overgrowth syndrome; Marshall-Smith syndrome. Last evaluated: 2022-04-14. Review status: criteria provided, single submitter. Criteria: Invitae Variant Classification Sherloc (09022015). Collection method: clinical testing. Allele origin: germline.
Comment: A copy number gain of the genomic region encompassing the full coding sequence of the NFIX gene has been identified. The boundaries of this event are unknown as they extend beyond the assayed region for this gene and therefore may encompass additional genes. As the precise location of this event is unknown, it may be in tandem or it may be located elsewhere in the genome. Isolated whole-gene copy number gains of NFIX have not been reported in the literature. However, larger copy number events that include this gene have been reported (PMID: 29184170). In summary, the available evidence is currently insufficient to determine the role of this variant in disease. Therefore, it has been classified as a Variant of Uncertain Significance.

Literature cited by the submitters: PubMed 29184170.

NC_000019.9:g.(?_13135448)_(13419362_?)dup

Genes: IER2 (immediate early response 2; plus strand), LYL1 (LYL1 basic helix-loop-helix family member; minus strand), NACC1 (nucleus accumbens associated 1; plus strand), CACNA1A (calcium voltage-gated channel subunit alpha1 A; minus strand), NFIX (nuclear factor I X; plus strand) and 2 more. Cytogenetic location: 19p13.2.
Variant type: Duplication.
Identifiers: ClinVar variation 2423756 (VCV002423756.6).